The following is an entry in ClinVar:

ClinVar aggregate classification (germline): Uncertain significance. Review status: criteria provided, multiple submitters, no conflicts (2 of 4 stars). 2 submissions from 2 submitters: Uncertain significance (2). Last evaluated 2025-12-19.

Allele frequency attached by ClinVar (database versions not stated): TOPMed below 0.00001; gnomAD 0.00001; gnomAD exomes 0.00001; ExAC 0.00002.
gnomAD v4.1: 12 of 1,613,570 alleles (0.00074%); highest among the groups gnomAD compares: Admixed American, 0.0033%; no homozygotes.

Submissions (2):

Labcorp Genetics (formerly Invitae), Labcorp
Classification: Uncertain significance. Last evaluated: 2025-12-19. Review status: criteria provided, single submitter. Criteria: Invitae Variant Classification Sherloc (09022015). Collection method: clinical testing. Allele origin: germline.
Comment: This sequence change replaces arginine, which is basic and polar, with glutamine, which is neutral and polar, at codon 69 of the EMC1 protein (p.Arg69Gln). This variant is present in population databases (rs748743672, gnomAD 0.003%). This variant has not been reported in the literature in individuals affected with EMC1-related conditions. ClinVar contains an entry for this variant (Variation ID: 1377761). Invitae Evidence Modeling of protein sequence and biophysical properties (such as structural, functional, and spatial information, amino acid conservation, physicochemical variation, residue mobility, and thermodynamic stability) indicates that this missense variant is expected to disrupt EMC1 protein function with a positive predictive value of 80%. In summary, the available evidence is currently insufficient to determine the role of this variant in disease. Therefore, it has been classified as a Variant of Uncertain Significance.

Blueprint Genetics
Classification: Uncertain significance. Last evaluated: 2018-08-06. Review status: criteria provided, single submitter. Criteria: ACMG Guidelines, 2015. Collection method: clinical testing. Allele origin: germline.

NM_015047.3(EMC1):c.206G>A (p.Arg69Gln)

Gene: EMC1 (ER membrane protein complex subunit 1; minus strand). Cytogenetic location: 1p36.13.
Variant type: single nucleotide variant.
Coding change: c.206G>A on transcript NM_015047.3 (MANE Select); coding-DNA position 206, G replaced by A.
Protein change: p.Arg69Gln; replaces arginine 69 with glutamine.
Molecular consequence: missense variant.
Genome position (GRCh38, 1-based): chr1:19,244,920, C>T on the plus strand (G>A on the coding strand, the complement: EMC1 is on the minus strand). VCF-style: chr1-19244920-C-T. GRCh37 (hg19) VCF-style: chr1-19571414-C-T.
Other names: c.206G>A, p.Arg69Gln (NM_001271427.2, NM_001271428.2, NM_001271429.2 and 2 more transcripts); short protein forms R69Q.
Identifiers: ClinVar variation 1377761 (VCV001377761.7), dbSNP rs748743672, ClinGen allele CA653023.